The following is an entry in ClinVar:

NM_006614.4(CHL1):c.155A>G (p.Tyr52Cys)

Gene: CHL1 (cell adhesion molecule L1 like; plus strand). Cytogenetic location: 3p26.3.
Variant type: single nucleotide variant.
Coding change: c.155A>G on transcript NM_006614.4 (MANE Select); coding-DNA position 155, A replaced by G.
Protein change: p.Tyr52Cys; replaces tyrosine 52 with cysteine.
Molecular consequence: missense variant.
Genome position (GRCh38, 1-based): chr3:326,022, A>G. VCF-style: chr3-326022-A-G. GRCh37 (hg19) VCF-style: chr3-367705-A-G.
Other names: c.155A>G, p.Tyr52Cys (NM_001253387.2, NM_001253388.1); short protein forms Y52C.
Identifiers: ClinVar variation 3034045 (VCV003034045.2), dbSNP rs144055818, ClinGen allele CA2224232.

ClinVar aggregate classification (germline): Likely benign (0 of 4 stars; one submission).

Conditions:
CHL1-related disorder. Also called: CHL1-related condition.

Allele frequency attached by ClinVar (database versions not stated): 1000 Genomes Project 30x 0.00016; 1000 Genomes Project 0.00020; ESP Exome Variant Server 0.00108; gnomAD 0.00123; TOPMed 0.00124; ExAC 0.00137; gnomAD exomes 0.00174.
gnomAD v4.1: 2,739 of 1,611,668 alleles (0.17%); highest among the groups gnomAD compares: Non-Finnish European, 0.21%; 5 homozygotes.

Submission:

PreventionGenetics, part of Exact Sciences
Classification: Likely benign for CHL1-related condition. Last evaluated: 2023-02-21. Review status: no assertion criteria provided. Collection method: clinical testing. Allele origin: germline.
Comment: This variant is classified as likely benign based on ACMG/AMP sequence variant interpretation guidelines (Richards et al. 2015 PMID: 25741868, with internal and published modifications).